The following is an entry in ClinVar:

ClinVar aggregate classification (germline): Benign. Review status: criteria provided, multiple submitters, no conflicts (2 of 4 stars). 2 submissions from 2 submitters: Benign (2). Last evaluated 2018-01-12.

Conditions:
Hereditary spastic paraplegia 35. Also called: Spastic paraplegia 35; SPASTIC PARAPLEGIA 35, AUTOSOMAL RECESSIVE, WITH OR WITHOUT NEURODEGENERATION; LEUKODYSTROPHY, DYSMYELINATING, AND SPASTIC PARAPARESIS WITH OR WITHOUT DYSTONIA; Spastic paraplegia 35, autosomal recessive. Identifiers: Orphanet 171629, MedGen C3496228, MONDO:0012866, OMIM 612319.

Allele frequency attached by ClinVar (database versions not stated): 1000 Genomes Project 0.25040; 1000 Genomes Project 30x 0.25328; TOPMed 0.29667; gnomAD 0.30613 and 0.31177; gnomAD exomes 0.36406.

Submissions (2):

Illumina Laboratory Services, Illumina
Classification: Benign for Hereditary spastic paraplegia 35. Last evaluated: 2018-01-12. Review status: criteria provided, single submitter. Criteria: ICSL Variant Classification Criteria 13 December 2019. Collection method: clinical testing. Allele origin: germline.
Comment: This variant was observed in the ICSL laboratory as part of a predisposition screen in an ostensibly healthy population. It had not been previously curated by ICSL or reported in the Human Gene Mutation Database (HGMD: prior to June 1st, 2018), and was therefore a candidate for classification through an automated scoring system. Utilizing variant allele frequency, disease prevalence and penetrance estimates, and inheritance mode, an automated score was calculated to assess if this variant is too frequent to cause the disease. Based on the score and internal cut-off values, a variant classified as benign is not then subjected to further curation. The score for this variant resulted in a classification of benign for this disease.

Breakthrough Genomics
Classification: Benign. Review status: criteria provided, single submitter. Criteria: ACMG Guidelines, 2015. Collection method: not provided. Allele origin: germline. Inheritance: Autosomal recessive inheritance. Affected: yes.

NM_024306.5(FA2H):c.*1064C>G

Gene: FA2H (fatty acid 2-hydroxylase; minus strand). Cytogenetic location: 16q23.1.
Variant type: single nucleotide variant.
Coding change: c.*1064C>G on transcript NM_024306.5 (MANE Select); 1064 bases downstream of the stop codon, C replaced by G.
Molecular consequence: 3 prime UTR variant.
Genome position (GRCh38, 1-based): chr16:74,713,126, G>C on the plus strand (C>G on the coding strand, the complement: FA2H is on the minus strand). VCF-style: chr16-74713126-G-C. GRCh37 (hg19) VCF-style: chr16-74747024-G-C.
Identifiers: ClinVar variation 320466 (VCV000320466.6), dbSNP rs1046371, ClinGen allele CA10638335.